The following is an entry in ClinVar:

ClinVar aggregate classification (germline): Uncertain significance (1 of 4 stars; one submission).

Conditions:
Peutz-Jeghers syndrome (PJS). Also called: POLYPOSIS, HAMARTOMATOUS INTESTINAL; POLYPS-AND-SPOTS SYNDROME; Peutz-Jeghers polyposis; Periorificial lentiginosis syndrome. Identifiers: Orphanet 2869, MedGen C0031269, MeSH D010580, MONDO:0008280, OMIM 175200.

Submission:

Labcorp Genetics (formerly Invitae), Labcorp
Classification: Uncertain significance for Peutz-Jeghers syndrome. Last evaluated: 2025-12-02. Review status: criteria provided, single submitter. Criteria: Invitae Variant Classification Sherloc (09022015). Collection method: clinical testing. Allele origin: germline.
Comment: This sequence change replaces isoleucine, which is neutral and non-polar, with threonine, which is neutral and polar, at codon 424 of the STK11 protein (p.Ile424Thr). This variant is not present in population databases (gnomAD no frequency). This variant has not been reported in the literature in individuals affected with STK11-related conditions. Invitae Evidence Modeling of protein sequence and biophysical properties (such as structural, functional, and spatial information, amino acid conservation, physicochemical variation, residue mobility, and thermodynamic stability) indicates that this missense variant is not expected to disrupt STK11 protein function with a negative predictive value of 95%. In summary, the available evidence is currently insufficient to determine the role of this variant in disease. Therefore, it has been classified as a Variant of Uncertain Significance.

NM_000455.5(STK11):c.1271T>C (p.Ile424Thr)

Gene: STK11 (serine/threonine kinase 11; plus strand). Cytogenetic location: 19p13.3.
Variant type: single nucleotide variant.
Coding change: c.1271T>C on transcript NM_000455.5 (MANE Select); coding-DNA position 1271, T replaced by C.
Protein change: p.Ile424Thr; replaces isoleucine 424 with threonine.
Molecular consequence: missense variant. On other transcripts: non-coding transcript variant (1).
Genome position (GRCh38, 1-based): chr19:1,226,616, T>C. VCF-style: chr19-1226616-T-C. GRCh37 (hg19) VCF-style: chr19-1226615-T-C.
Other names: short protein forms I424T.
Identifiers: ClinVar variation 4802514 (VCV004802514.1).